The following is an entry in ClinVar:

ClinVar aggregate classification (germline): Uncertain significance (1 of 4 stars; one submission).

Conditions:
Charcot-Marie-Tooth disease axonal type 2C (HMSN2C). Also called: CHARCOT-MARIE-TOOTH DISEASE, AXONAL, AUTOSOMAL DOMINANT, TYPE 2C; Charcot-Marie-Tooth Neuropathy Type 2C; Charcot-Marie-Tooth Disease Type 2, TRPV4-Related (CMT2C). Identifiers: Orphanet 99937, MedGen C1853710, MONDO:0011633, OMIM 606071.

Allele frequency attached by ClinVar (database versions not stated): gnomAD exomes below 0.00001.
gnomAD v4.1: 2 of 1,612,770 alleles (0.00012%); highest among the groups gnomAD compares: Admixed American, 0.0033%; no homozygotes.

Submission:

Labcorp Genetics (formerly Invitae), Labcorp
Classification: Uncertain significance for Charcot-Marie-Tooth disease axonal type 2C. Last evaluated: 2023-08-02. Review status: criteria provided, single submitter. Criteria: Invitae Variant Classification Sherloc (09022015). Collection method: clinical testing. Allele origin: germline.
Comment: In summary, the available evidence is currently insufficient to determine the role of this variant in disease. Therefore, it has been classified as a Variant of Uncertain Significance. Advanced modeling of protein sequence and biophysical properties (such as structural, functional, and spatial information, amino acid conservation, physicochemical variation, residue mobility, and thermodynamic stability) performed at Invitae indicates that this missense variant is not expected to disrupt TRPV4 protein function. This variant has not been reported in the literature in individuals affected with TRPV4-related conditions. This variant is not present in population databases (gnomAD no frequency). This sequence change replaces isoleucine, which is neutral and non-polar, with valine, which is neutral and non-polar, at codon 389 of the TRPV4 protein (p.Ile389Val).

NM_021625.5(TRPV4):c.1165A>G (p.Ile389Val)

Gene: TRPV4 (transient receptor potential cation channel subfamily V member 4; minus strand). Cytogenetic location: 12q24.11.
Variant type: single nucleotide variant.
Coding change: c.1165A>G on transcript NM_021625.5 (MANE Select); coding-DNA position 1165, A replaced by G.
Protein change: p.Ile389Val; replaces isoleucine 389 with valine.
Molecular consequence: missense variant. On other transcripts: intron variant (2).
Genome position (GRCh38, 1-based): chr12:109,796,692, T>C on the plus strand (A>G on the coding strand, the complement: TRPV4 is on the minus strand). VCF-style: chr12-109796692-T-C. GRCh37 (hg19) VCF-style: chr12-110234497-T-C.
Other names: c.1024A>G, p.Ile342Val (NM_001177428.2); c.1063A>G, p.Ile355Val (NM_001177431.2); c.1011+1922A>G (NM_001177433.1); c.1152+1922A>G (NM_147204.2); short protein forms I355V, I342V, I389V.
Identifiers: ClinVar variation 2780319 (VCV002780319.3), dbSNP rs1890422518, ClinGen allele CA386653949.